The following is an entry in ClinVar:

NM_004168.4(SDHA):c.1079A>T (p.Glu360Val)

Gene: SDHA (succinate dehydrogenase complex flavoprotein subunit A; plus strand). Cytogenetic location: 5p15.33.
Variant type: single nucleotide variant.
Coding change: c.1079A>T on transcript NM_004168.4 (MANE Select); coding-DNA position 1079, A replaced by T.
Protein change: p.Glu360Val; replaces glutamic acid 360 with valine.
Molecular consequence: missense variant.
Genome position (GRCh38, 1-based): chr5:235,158, A>T. VCF-style: chr5-235158-A-T. GRCh37 (hg19) VCF-style: chr5-235273-A-T.
Other names: c.935A>T, p.Glu312Val (NM_001294332.2); c.1079A>T, p.Glu360Val (NM_001330758.2); short protein forms E312V, E360V.
Identifiers: ClinVar variation 3754197 (VCV003754197.2).

ClinVar aggregate classification (germline): Uncertain significance (1 of 4 stars; one submission).

Conditions:
Mitochondrial complex II deficiency, nuclear type 1. Also called: SUCCINATE CoQ REDUCTASE DEFICIENCY. Identifiers: Orphanet 3208, MedGen C5700310, MONDO:0100294, OMIM 252011.
Pheochromocytoma/paraganglioma syndrome 5. Also called: Paragangliomas 5; SDHA-Related Hereditary Paraganglioma-Pheochromocytoma Syndrome. Identifiers: Orphanet 29072, MedGen C3279992, MONDO:0013602, OMIM 614165.

Submission:

Labcorp Genetics (formerly Invitae), Labcorp
Classification: Uncertain significance for Pheochromocytoma/paraganglioma syndrome 5; Mitochondrial complex II deficiency, nuclear type 1. Last evaluated: 2024-06-30. Review status: criteria provided, single submitter. Criteria: Invitae Variant Classification Sherloc (09022015). Collection method: clinical testing. Allele origin: germline.
Comment: This sequence change replaces glutamic acid, which is acidic and polar, with valine, which is neutral and non-polar, at codon 360 of the SDHA protein (p.Glu360Val). This variant is not present in population databases (gnomAD no frequency). This variant has not been reported in the literature in individuals affected with SDHA-related conditions. Advanced modeling of protein sequence and biophysical properties (such as structural, functional, and spatial information, amino acid conservation, physicochemical variation, residue mobility, and thermodynamic stability) performed at Invitae indicates that this missense variant is not expected to disrupt SDHA protein function with a negative predictive value of 95%. In summary, the available evidence is currently insufficient to determine the role of this variant in disease. Therefore, it has been classified as a Variant of Uncertain Significance.